The following is an entry in ClinVar:

NM_175914.5(HNF4A):c.582+13G>T

Gene: HNF4A (hepatocyte nuclear factor 4 alpha; plus strand). Cytogenetic location: 20q13.12.
Variant type: single nucleotide variant.
Coding change: c.582+13G>T on transcript NM_175914.5 (MANE Select); 13 bases into the intron after coding-DNA position 582, G replaced by T.
Molecular consequence: intron variant.
Genome position (GRCh38, 1-based): chr20:44,414,675, G>T. VCF-style: chr20-44414675-G-T. GRCh37 (hg19) VCF-style: chr20-43043315-G-T.
Other names: c.573+13G>T (NM_001287182.2, NM_001287183.2, NM_001287184.2); c.582+13G>T (NM_001030003.3, NM_001030004.3); c.627+13G>T (NM_001258355.2); c.648+13G>T (NM_178849.3, NM_000457.6, NM_178850.3).
Identifiers: ClinVar variation 4682227 (VCV004682227.1).

ClinVar aggregate classification (germline): Uncertain significance (1 of 4 stars; one submission).

Submission:

Athena Diagnostics
Classification: Uncertain significance. Last evaluated: 2025-06-12. Review status: criteria provided, single submitter. Criteria: Athena Diagnostics Criteria. Collection method: clinical testing. Allele origin: unknown.
Comment: Available data are insufficient to determine the clinical significance of the variant at this time. The frequency of this variant in the general population is uninformative in assessment of its pathogenicity. Computational tools yielded predictions that this variant is unlikely to have an effect on normal RNA splicing.